The following is an entry in ClinVar:

NM_001360.3(DHCR7):c.831+148C>T

Gene: DHCR7 (7-dehydrocholesterol reductase; minus strand). Cytogenetic location: 11q13.4.
Variant type: single nucleotide variant.
Coding change: c.831+148C>T on transcript NM_001360.3 (MANE Select); 148 bases into the intron after coding-DNA position 831, C replaced by T.
Molecular consequence: intron variant.
Genome position (GRCh38, 1-based): chr11:71,438,731, G>A on the plus strand (C>T on the coding strand, the complement: DHCR7 is on the minus strand). VCF-style: chr11-71438731-G-A. GRCh37 (hg19) VCF-style: chr11-71149777-G-A.
Other names: c.831+148C>T (NM_001425120.1, NM_001425109.1, NM_001163817.2 and 6 more transcripts); c.735+148C>T (NM_001425114.1, NM_001425116.1); c.771+148C>T (NM_001425113.1); c.882+148C>T (NM_001425107.1); c.867+148C>T (NM_001425108.1); c.657+148C>T (NM_001425117.1).
Identifiers: ClinVar variation 4011249 (VCV004011249.1).
Genomic context (GRCh38, chr11:71,438,731, plus strand): 5'-CTCCCCTCCCAGGGCTGGCAGAGACAGGCACCCAAGGATGGCTTCCTTCACCAAGTGCTC[G>A]CCGGCTGCTTCCTGGTGACACCTGGGGAGGGCAGCTGACTCTCTTTTACAAGCAGTAGAT-3'

ClinVar aggregate classification (germline): Uncertain significance (1 of 4 stars; one submission).

Conditions:
Inborn genetic diseases. Identifiers: MedGen C0950123, MeSH D030342.

gnomAD v4.1: 164 of 837,254 alleles (0.02%); highest among the groups gnomAD compares: East Asian, 0.33%; no homozygotes.

Submission:

Ambry Genetics
Classification: Uncertain significance for Inborn genetic diseases. Last evaluated: 2025-05-13. Review status: criteria provided, single submitter. Criteria: Ambry Variant Classification Scheme 2023. Collection method: clinical testing. Allele origin: germline.
Comment: The c.831+148C>T intronic alteration results from a C to T substitution 148 nucleotides after coding exon 5 of the DHCR7 gene. Based on data from gnomAD, the T allele has an overall frequency of 0.045% (14/31392) total alleles studied. The highest observed frequency was 0.769% (12/1560) of East Asian alleles. This nucleotide position is not well conserved in available vertebrate species. In silico splice site analysis predicts that this alteration will result in the creation or strengthening of a novel splice donor site. Based on insufficient or conflicting evidence, the clinical significance of this alteration remains unclear.